The following is an entry in ClinVar:

ClinVar aggregate classification (germline): Benign/Likely benign. Review status: criteria provided, multiple submitters, no conflicts (2 of 4 stars). 10 submissions from 10 submitters: Benign (6); Likely benign (4). Last evaluated 2026-02-02.

Conditions:
Wilson disease (WND). Also called: Wilson's disease. Identifiers: Orphanet 905, MedGen C0019202, MONDO:0010200, OMIM 277900. Disease mechanism: loss of function.

Allele frequency attached by ClinVar (database versions not stated): ESP Exome Variant Server 0.00033; TOPMed 0.00033; 1000 Genomes Project 30x 0.00156; 1000 Genomes Project 0.00200; gnomAD 0.00472 and 0.00499; ExAC 0.00519; gnomAD exomes 0.00603.
gnomAD v4.1: 4,385 of 1,614,070 alleles (0.27%); highest among the groups gnomAD compares: Non-Finnish European, 0.054%; 113 homozygotes.

Submissions (10):

Labcorp Genetics (formerly Invitae), Labcorp
Classification: Benign for Wilson disease. Last evaluated: 2026-02-02. Review status: criteria provided, single submitter. Criteria: Invitae Variant Classification Sherloc (09022015). Collection method: clinical testing. Allele origin: germline.

Mayo Clinic Laboratories, Mayo Clinic
Classification: Benign. Last evaluated: 2025-10-27. Review status: criteria provided, single submitter. Criteria: ACMG Guidelines, 2015. Collection method: clinical testing. Allele origin: germline. Observed: 2 variant alleles.

CeGaT Center for Human Genetics Tuebingen
Classification: Likely benign. Last evaluated: 2025-09-01. Review status: criteria provided, single submitter. Criteria: CeGaT Center For Human Genetics Tuebingen Variant Classification Criteria Version 2. Collection method: clinical testing. Allele origin: germline. Affected: yes. Observed: 7 variant alleles.
Comment: ATP7B: PM1, BS2

Women's Health and Genetics/Laboratory Corporation of America, LabCorp
Classification: Likely benign. Last evaluated: 2025-03-14. Review status: criteria provided, single submitter. Criteria: LabCorp Variant Classification Summary - May 2015. Collection method: clinical testing. Allele origin: germline.
Comment: Variant summary: ATP7B c.3403G>A (p.Ala1135Thr) results in a non-conservative amino acid change in the encoded protein sequence. Three of five in-silico tools predict a benign effect of the variant on protein function. The variant allele was found at a frequency of 0.006 in 249374 control chromosomes in the gnomAD database, including 43 homozygotes. The observed variant frequency is approximately 1.12 fold of the estimated maximal expected allele frequency for a pathogenic variant in ATP7B causing Wilson Disease phenotype (0.0054). To our knowledge, no occurrence of c.3403G>A in individuals affected with Wilson Disease and no experimental evidence demonstrating its impact on protein function have been reported. ClinVar contains an entry for this variant (Variation ID: 526660). Based on the evidence outlined above, the variant was classified as likely benign.

Blueprint Genetics
Classification: Likely benign. Last evaluated: 2024-11-22. Review status: criteria provided, single submitter. Criteria: ACMG Guidelines, 2015. Collection method: clinical testing. Allele origin: germline.

Color Diagnostics, LLC DBA Color Health
Classification: Likely benign for Wilson disease. Last evaluated: 2022-11-07. Review status: criteria provided, single submitter. Criteria: ACMG Guidelines, 2015. Collection method: clinical testing. Allele origin: germline.

Genome-Nilou Lab
Classification: Benign for Wilson disease. Last evaluated: 2021-08-10. Review status: criteria provided, single submitter. Criteria: ACMG Guidelines, 2015. Collection method: clinical testing. Allele origin: germline. Affected: no.

GeneDx
Classification: Benign. Last evaluated: 2018-06-18. Review status: criteria provided, single submitter. Criteria: GeneDx Variant Classification (06012015). Collection method: clinical testing. Allele origin: germline. Affected: yes.
Comment: This variant is considered likely benign or benign based on one or more of the following criteria: it is a conservative change, it occurs at a poorly conserved position in the protein, it is predicted to be benign by multiple in silico algorithms, and/or has population frequency not consistent with disease.

ARUP Laboratories, Molecular Genetics and Genomics, ARUP Laboratories
Classification: Benign. Last evaluated: 2017-05-02. Review status: criteria provided, single submitter. Criteria: ARUP Molecular Germline Variant Investigation Process. Collection method: clinical testing. Allele origin: germline.

Illumina Laboratory Services, Illumina
Classification: Benign for Wilson disease. Last evaluated: 2017-04-28. Review status: criteria provided, single submitter. Criteria: ICSL Variant Classification Criteria 13 December 2019. Collection method: clinical testing. Allele origin: germline.
Comment: This variant was observed as part of a predisposition screen in an ostensibly healthy population. A literature search was performed for the gene, cDNA change, and amino acid change (where applicable). No publications were found based on this search. Allele frequency data from public databases was too high to be consistent with this variant causing disease. Therefore, this variant is classified as benign.

NM_000053.4(ATP7B):c.3403G>A (p.Ala1135Thr)

Gene: ATP7B (ATPase copper transporting beta; minus strand). Cytogenetic location: 13q14.3.
Variant type: single nucleotide variant.
Coding change: c.3403G>A on transcript NM_000053.4 (MANE Select); coding-DNA position 3403, G replaced by A.
Protein change: p.Ala1135Thr; replaces alanine 1135 with threonine.
Molecular consequence: missense variant.
Genome position (GRCh38, 1-based): chr13:51,942,395, C>T on the plus strand (G>A on the coding strand, the complement: ATP7B is on the minus strand). VCF-style: chr13-51942395-C-T. GRCh37 (hg19) VCF-style: chr13-52516531-C-T.
Other names: p.Ala1135Thr; c.2782G>A, p.Ala928Thr (NM_001005918.3); c.3070G>A, p.Ala1024Thr (NM_001243182.2); c.3169G>A, p.Ala1057Thr (NM_001330578.2); c.3151G>A, p.Ala1051Thr (NM_001330579.2); short protein forms A1135T, A928T, A1024T, A1051T, A1057T.
Identifiers: ClinVar variation 526660 (VCV000526660.67), dbSNP rs187200982, ClinGen allele CA6988718.
Genomic context (GRCh38, chr13:51,942,395, plus strand): 5'-TTTGACCCACCTCTACTTTTAACCAGCTGCAGAGACAAAAGCCAGCAATACCTTTTTCTG[C>T]GGGAAGGCTGCCAGCCTCATTCAGGTGACTGGCCGGTGCACTCAAAGGGCGCTCACTGTG-3'
Protein context (NP_000044.2, residues 1125-1145): SHLNEAGSLP[Ala1135Thr]EKDAVPQTFS